The following is an entry in ClinVar:

ClinVar aggregate classification (germline): Uncertain significance (1 of 4 stars; one submission).

Conditions:
Nephronophthisis 15 (NPHP15). Identifiers: Orphanet 3156, MedGen C3541853, MONDO:0013917, OMIM 614845.

Submission:

Labcorp Genetics (formerly Invitae), Labcorp
Classification: Uncertain significance for Nephronophthisis 15. Last evaluated: 2024-11-11. Review status: criteria provided, single submitter. Criteria: Invitae Variant Classification Sherloc (09022015). Collection method: clinical testing. Allele origin: germline.
Comment: This sequence change replaces lysine, which is basic and polar, with threonine, which is neutral and polar, at codon 734 of the CEP164 protein (p.Lys734Thr). This variant is not present in population databases (gnomAD no frequency). This variant has not been reported in the literature in individuals affected with CEP164-related conditions. ClinVar contains an entry for this variant (Variation ID: 1932450). Invitae Evidence Modeling of protein sequence and biophysical properties (such as structural, functional, and spatial information, amino acid conservation, physicochemical variation, residue mobility, and thermodynamic stability) indicates that this missense variant is not expected to disrupt CEP164 protein function with a negative predictive value of 80%. In summary, the available evidence is currently insufficient to determine the role of this variant in disease. Therefore, it has been classified as a Variant of Uncertain Significance.

NM_014956.5(CEP164):c.2201A>C (p.Lys734Thr)

Gene: CEP164 (centrosomal protein 164; plus strand). Cytogenetic location: 11q23.3.
Variant type: single nucleotide variant.
Coding change: c.2201A>C on transcript NM_014956.5 (MANE Select); coding-DNA position 2201, A replaced by C.
Protein change: p.Lys734Thr; replaces lysine 734 with threonine.
Molecular consequence: missense variant.
Genome position (GRCh38, 1-based): chr11:117,391,133, A>C. VCF-style: chr11-117391133-A-C. GRCh37 (hg19) VCF-style: chr11-117261849-A-C.
Other names: c.2210A>C, p.Lys737Thr (NM_001271933.2); short protein forms K734T, K737T.
Identifiers: ClinVar variation 1932450 (VCV001932450.5), dbSNP rs2044600442, ClinGen allele CA382723405.